The following is an entry in ClinVar:

ClinVar aggregate classification (germline): Uncertain significance (1 of 4 stars; one submission).

Submission:

Dasa
Classification: Uncertain significance. Last evaluated: 2025-10-31. Review status: criteria provided, single submitter. Criteria: DASA Assertion Criteria. Collection method: clinical testing. Allele origin: germline.
Comment: NM_001099274.3(TINF2):c.656C>A (p.Pro219His) is a missense variant that results in the substitution of proline with histidine. This variant is absent from population databases. The currently available literature and clinical evidence are not sufficient to establish a definitive association between this variant and the reported condition. Therefore, this variant is classified as a variant of uncertain significance.

NM_001099274.3(TINF2):c.656C>A (p.Pro219His)

Gene: TINF2 (TERF1 interacting nuclear factor 2; minus strand). Cytogenetic location: 14q12.
Variant type: single nucleotide variant.
Coding change: c.656C>A on transcript NM_001099274.3 (MANE Select); coding-DNA position 656, C replaced by A.
Protein change: p.Pro219His; replaces proline 219 with histidine.
Molecular consequence: missense variant.
Genome position (GRCh38, 1-based): chr14:24,240,824, G>T on the plus strand (C>A on the coding strand, the complement: TINF2 is on the minus strand). VCF-style: chr14-24240824-G-T. GRCh37 (hg19) VCF-style: chr14-24710030-G-T.
Other names: c.551C>A, p.Pro184His (NM_001363668.2); c.656C>A, p.Pro219His (NM_012461.3); short protein forms P184H, P219H.
Identifiers: ClinVar variation 4885792 (VCV004885792.2).
Genomic context (GRCh38, chr14:24,240,824, plus strand): 5'-TGTGTGCCAGGCTTGGCTTTTGGCAGGGGATTGTGGAGTGCTAGTCTTTGTTGCTGAGGA[G>T]GATTCTGTTCCATGGGCTCAGCCAGGTTCACTGAGTCAGTAACAGAGCACTCTGAAAAAG-3'
Protein context (NP_001092744.1, residues 209-229): VNLAEPMEQN[Pro219His]PQQQRLALHN